The following is an entry in ClinVar:

ClinVar aggregate classification (germline): Uncertain significance (1 of 4 stars; one submission).

Submission:

GeneDx
Classification: Uncertain significance. Last evaluated: 2019-12-23. Review status: criteria provided, single submitter. Criteria: GeneDx Variant Classification Process June 2021. Collection method: clinical testing. Allele origin: germline. Affected: yes.
Comment: Not observed in large population cohorts (Lek et al., 2016); In silico analysis, which includes protein predictors and evolutionary conservation, supports that this variant does not alter protein structure/function; Has not been previously published as pathogenic or benign to our knowledge

NM_001394998.1(TANC2):c.2735G>T (p.Gly912Val)

Genes: TANC2 (tetratricopeptide repeat, ankyrin repeat and coiled-coil containing 2; plus strand), LOC105371856 (uncharacterized LOC105371856; minus strand). Cytogenetic location: 17q23.3.
Variant type: single nucleotide variant.
Coding change: c.2735G>T on transcript NM_001394998.1 (MANE Select); coding-DNA position 2735, G replaced by T.
Protein change: p.Gly912Val; replaces glycine 912 with valine.
Molecular consequence: missense variant.
Genome position (GRCh38, 1-based): chr17:63,388,678, G>T. VCF-style: chr17-63388678-G-T. GRCh37 (hg19) VCF-style: chr17-61466039-G-T.
Other names: c.2513G>T, p.Gly838Val (NM_025185.4); short protein forms G838V, G912V.
Identifiers: ClinVar variation 1316047 (VCV001316047.3), dbSNP rs2147145542, ClinGen allele CA400531693.